The following is an entry in ClinVar:

NC_000005.10:g.32101294_32159411dup

Genes: GOLPH3 (golgi phosphoprotein 3; minus strand), PDZD2 (PDZ domain containing 2; plus strand), LOC126807344 (CDK7 strongly-dependent group 2 enhancer GRCh37_chr5:32125750-32126949; plus strand). Cytogenetic location: 5p13.3.
Variant type: Duplication.
Identifiers: ClinVar variation 156970 (VCV000156970.2).

ClinVar aggregate classification (germline): not provided. Review status: no classification provided (0 of 4 stars). 2 submissions from 1 submitter: not provided (2).

Conditions:
Normal pregnancy. Identifiers: MedGen C0232989.
Gestational diabetes mellitus uncontrolled. Identifiers: MedGen C3532257.

Submissions (2):

Institute of Molecular and Cell Biology, University of Tartu
No classification provided. Condition: Normal pregnancy. Review status: no classification provided. Collection method: case-control. Allele origin: unknown. Affected: yes. Study: Kasak2014.
Comment: The study aimed to determine the contribution of copy number variants in the genetic etiology of normal and complicated pregnancies. The samples represented (i) maternal blood DNA drawn from healthy pregnant women during 1st or 2nd trimester and (ii) maternal and paternal blood DNA drawn at term pregnancy cases representing normal and complicated gestations (severe preeclampsia, PE; gestational diabetes, GD; small-for-gestational age newborn, SGA; large-for-gestational age newborn, LGA). We performed CNV calling based on genome-wide genotyping dataset (Illumina HumanOmniExpress-24-v1 BeadChip) by applying three algorithms, QuantiSNP, GADA (Genome Alteration Detection Algorithm) and CNstream in parallel. The acquired CNV calls were merged with HD-CNV (Hotspot Detector for Copy Number Variants) program and only the CNVs predicted by at least two programs, were considered in subsequent analysis.

Institute of Molecular and Cell Biology, University of Tartu
No classification provided. Condition: Gestational diabetes mellitus uncontrolled. Review status: no classification provided. Collection method: case-control. Allele origin: unknown. Affected: yes. Study: Kasak2014.
Comment: the same text as in the submission from Institute of Molecular and Cell Biology, University of Tartu above.

Literature cited by the submitters: PubMed 25666259.